The following is an entry in ClinVar:

ClinVar aggregate classification (germline): Uncertain significance (1 of 4 stars; one submission).

Conditions:
Duchenne muscular dystrophy (DMD). Also called: MUSCULAR DYSTROPHY, PSEUDOHYPERTROPHIC PROGRESSIVE, DUCHENNE TYPE; Duchenne Muscular Dystrophy (DMD). Identifiers: Orphanet 98896, MedGen C0013264, MONDO:0010679, OMIM 310200.

Submission:

Labcorp Genetics (formerly Invitae), Labcorp
Classification: Uncertain significance for Duchenne muscular dystrophy. Last evaluated: 2022-03-23. Review status: criteria provided, single submitter. Criteria: Invitae Variant Classification Sherloc (09022015). Collection method: clinical testing. Allele origin: germline.
Comment: In summary, the available evidence is currently insufficient to determine the role of this variant in disease. Therefore, it has been classified as a Variant of Uncertain Significance. Algorithms developed to predict the effect of missense changes on protein structure and function (SIFT, PolyPhen-2, Align-GVGD) all suggest that this variant is likely to be tolerated. This variant has not been reported in the literature in individuals affected with DMD-related conditions. This variant is not present in population databases (gnomAD no frequency). This sequence change replaces isoleucine, which is neutral and non-polar, with valine, which is neutral and non-polar, at codon 1838 of the DMD protein (p.Ile1838Val).

NM_004006.3(DMD):c.5512A>G (p.Ile1838Val)

Gene: DMD (dystrophin; minus strand). Cytogenetic location: Xp21.1.
Variant type: single nucleotide variant.
Coding change: c.5512A>G on transcript NM_004006.3 (MANE Select); coding-DNA position 5512, A replaced by G.
Protein change: p.Ile1838Val; replaces isoleucine 1838 with valine.
Molecular consequence: missense variant.
Genome position (GRCh38, 1-based): chrX:32,346,017, T>C on the plus strand (A>G on the coding strand, the complement: DMD is on the minus strand). VCF-style: chrX-32346017-T-C. GRCh37 (hg19) VCF-style: chrX-32364134-T-C.
Other names: c.5488A>G, p.Ile1830Val (NM_000109.4); c.5500A>G, p.Ile1834Val (NM_004009.3); c.5143A>G, p.Ile1715Val (NM_004010.3); c.1489A>G, p.Ile497Val (NM_004011.4); c.1480A>G, p.Ile494Val (NM_004012.4); short protein forms I1830V, I497V, I1838V, I494V, I1715V, I1834V.
Identifiers: ClinVar variation 1518437 (VCV001518437.8), dbSNP rs2147032004, ClinGen allele CA412667372.